The following is an entry in ClinVar:

NM_004924.6(ACTN4):c.1276G>A (p.Glu426Lys)

Gene: ACTN4 (actinin alpha 4; plus strand). Cytogenetic location: 19q13.2.
Variant type: single nucleotide variant.
Coding change: c.1276G>A on transcript NM_004924.6 (MANE Select); coding-DNA position 1276, G replaced by A.
Protein change: p.Glu426Lys; replaces glutamic acid 426 with lysine.
Molecular consequence: missense variant.
Genome position (GRCh38, 1-based): chr19:38,718,059, G>A. VCF-style: chr19-38718059-G-A. GRCh37 (hg19) VCF-style: chr19-39208699-G-A.
Other names: c.1276G>A, p.Glu426Lys (NM_001322033.2); short protein forms E426K.
Identifiers: ClinVar variation 1428890 (VCV001428890.7), dbSNP rs752949932, ClinGen allele CA9417562.
Genomic context (GRCh38, chr19:38,718,059, plus strand): 5'-CGCAGGCTGGAGCGGCTCGACCACCTGGCAGAGAAGTTCCGGCAGAAGGCCTCCATCCAC[G>A]AGGCCTGGACTGACGGTACGGCCCAGCTCTGCCCCACTCTGCCCAGCCCCGCTCCCGTGC-3'
Protein context (NP_004915.2, residues 416-436): EKFRQKASIH[Glu426Lys]AWTDGKEAML

ClinVar aggregate classification (germline): Uncertain significance. Review status: criteria provided, multiple submitters, no conflicts (2 of 4 stars). 2 submissions from 2 submitters: Uncertain significance (2). Last evaluated 2022-01-11.

Conditions:
Focal segmental glomerulosclerosis 1 (FSGS1). Identifiers: Orphanet 656, MedGen C4551527, MONDO:0011303, OMIM 603278.

Allele frequency attached by ClinVar (database versions not stated): ExAC 0.00001; gnomAD exomes 0.00002 and 0.00010; gnomAD 0.00003; TOPMed 0.00003.
gnomAD v4.1: 151 of 1,608,996 alleles (0.0094%); highest among the groups gnomAD compares: Non-Finnish European, 0.012%; no homozygotes.

Submissions (2):

Fulgent Genetics
Classification: Uncertain significance for Focal segmental glomerulosclerosis 1. Last evaluated: 2022-01-11. Review status: criteria provided, single submitter. Criteria: ACMG Guidelines, 2015. Collection method: clinical testing. Allele origin: unknown.

Labcorp Genetics (formerly Invitae), Labcorp
Classification: Uncertain significance. Last evaluated: 2021-02-11. Review status: criteria provided, single submitter. Criteria: Invitae Variant Classification Sherloc (09022015). Collection method: clinical testing. Allele origin: germline.
Comment: In summary, the available evidence is currently insufficient to determine the role of this variant in disease. Therefore, it has been classified as a Variant of Uncertain Significance. Algorithms developed to predict the effect of missense changes on protein structure and function are either unavailable or do not agree on the potential impact of this missense change (SIFT: "Not Available"; PolyPhen-2: "Probably Damaging"; Align-GVGD: "Not Available"). This variant has not been reported in the literature in individuals with ACTN4-related conditions. This variant is present in population databases (rs752949932, ExAC 0.002%). This sequence change replaces glutamic acid with lysine at codon 426 of the ACTN4 protein (p.Glu426Lys). The glutamic acid residue is highly conserved and there is a small physicochemical difference between glutamic acid and lysine.